The following is an entry in ClinVar:

ClinVar aggregate classification (germline): Likely benign. Review status: criteria provided, multiple submitters, no conflicts (2 of 4 stars). 4 submissions from 4 submitters: Likely benign (2). 2 of the submissions do not count toward it. Last evaluated 2026-01-16.

Conditions:
Bardet-Biedl syndrome (BBS). Identifiers: Orphanet 110, MedGen C0752166, MONDO:0015229.
Bardet-Biedl syndrome 1 (BBS1). Identifiers: MedGen C2936862, MONDO:0008854, OMIM 209900. Disease mechanism: loss of function.
BBS1-related disorder. Also called: BBS1-related condition.

Allele frequency attached by ClinVar (database versions not stated): TOPMed 0.00002; gnomAD 0.00001; gnomAD exomes 0.00007 and 0.00004; ExAC 0.00013.
gnomAD v4.1: 67 of 1,601,730 alleles (0.0042%); highest among the groups gnomAD compares: Middle Eastern, 0.016%; no homozygotes.

Submissions (4):

Labcorp Genetics (formerly Invitae), Labcorp
Classification: Likely benign for Bardet-Biedl syndrome. Last evaluated: 2026-01-16. Review status: criteria provided, single submitter. Criteria: Invitae Variant Classification Sherloc (09022015). Collection method: clinical testing. Allele origin: germline.

Blueprint Genetics
Classification: Likely benign. Last evaluated: 2022-05-04. Review status: criteria provided, single submitter. Criteria: ACMG Guidelines, 2015. Collection method: clinical testing. Allele origin: germline.

Natera, Inc.
Classification: Likely benign for Bardet-Biedl syndrome type 1. Last evaluated: 2020-09-30. Review status: no assertion criteria provided. Collection method: clinical testing. Allele origin: germline. Not counted in ClinVar's aggregate classification.

PreventionGenetics, part of Exact Sciences
Classification: Likely benign for BBS1-related condition. Last evaluated: 2020-08-14. Review status: no assertion criteria provided. Collection method: clinical testing. Allele origin: germline. Not counted in ClinVar's aggregate classification.
Comment: This variant is classified as likely benign based on ACMG/AMP sequence variant interpretation guidelines (Richards et al. 2015 PMID: 25741868, with internal and published modifications).

NM_024649.5(BBS1):c.1467C>T (p.His489=)

Genes: BBS1 (Bardet-Biedl syndrome 1; plus strand), ZDHHC24 (zDHHC palmitoyltransferase 24; minus strand). Cytogenetic location: 11q13.2.
Variant type: single nucleotide variant.
Coding change: c.1467C>T on transcript NM_024649.5 (MANE Select); coding-DNA position 1467, C replaced by T.
Protein change: p.His489=; no amino-acid change (histidine 489 retained).
Molecular consequence: synonymous variant. On other transcripts: intron variant (1).
Genome position (GRCh38, 1-based): chr11:66,529,946, C>T. VCF-style: chr11-66529946-C-T. GRCh37 (hg19) VCF-style: chr11-66297417-C-T.
Other names: c.560-458G>A (NM_001348571.2).
Identifiers: ClinVar variation 700025 (VCV000700025.15), dbSNP rs749008475, ClinGen allele CA6123775.